The following is an entry in ClinVar:

ClinVar aggregate classification (germline): Uncertain significance (1 of 4 stars; one submission).

gnomAD v4.1: 1 of 1,613,728 alleles (0.000062%); highest among the groups gnomAD compares: Admixed American, 0.0017%; no homozygotes.

Submission:

GeneDx
Classification: Uncertain significance. Last evaluated: 2024-06-11. Review status: criteria provided, single submitter. Criteria: GeneDx Variant Classification Process June 2021. Collection method: clinical testing. Allele origin: germline. Affected: yes.
Comment: Has not been previously published as pathogenic or benign to our knowledge; Not observed at significant frequency in large population cohorts (gnomAD); In silico analysis supports that this missense variant has a deleterious effect on protein structure/function

NM_022114.4(PRDM16):c.476A>T (p.Asp159Val)

Gene: PRDM16 (PR/SET domain 16; plus strand). Cytogenetic location: 1p36.32.
Variant type: single nucleotide variant.
Coding change: c.476A>T on transcript NM_022114.4 (MANE Select); coding-DNA position 476, A replaced by T.
Protein change: p.Asp159Val; replaces aspartic acid 159 with valine.
Molecular consequence: missense variant.
Genome position (GRCh38, 1-based): chr1:3,385,189, A>T. VCF-style: chr1-3385189-A-T. GRCh37 (hg19) VCF-style: chr1-3301753-A-T.
Other names: c.476A>T, p.Asp159Val (NM_199454.3); short protein forms D159V.
Identifiers: ClinVar variation 3390775 (VCV003390775.1).